The following is an entry in ClinVar:

ClinVar aggregate classification (germline): Pathogenic/Likely pathogenic. Review status: criteria provided, multiple submitters, no conflicts (2 of 4 stars). 6 submissions from 6 submitters: Pathogenic (2); Likely pathogenic (2). 2 of the submissions do not count toward it. Last evaluated 2024-07-01.

Conditions:
Primary ciliary dyskinesia 3. Identifiers: Orphanet 244, MedGen C1837618, MONDO:0012085, OMIM 608644.
Respiratory ciliopathies including non-CF bronchiectasis.
Primary ciliary dyskinesia. Also called: Ciliary dyskinesia. Identifiers: Orphanet 244, MedGen C0008780, MONDO:0016575, HP:0012265.

Allele frequency attached by ClinVar (database versions not stated): gnomAD exomes 0.00001.
gnomAD v4.1: 9 of 1,614,154 alleles (0.00056%); highest among the groups gnomAD compares: Non-Finnish European, 0.00076%; no homozygotes.

Submissions (6):

NHS Central & South Genomic Laboratory Hub
Classification: Pathogenic for Respiratory ciliopathies including non-CF bronchiectasis. Last evaluated: 2024-07-01. Review status: criteria provided, single submitter. Criteria: ACMG Guidelines, 2015. Collection method: clinical testing. Allele origin: germline. Affected: yes.

Natera, Inc.
Classification: Likely pathogenic for Primary ciliary dyskinesia. Last evaluated: 2024-06-21. Review status: criteria provided, single submitter. Criteria: Natera Variant Classification Schema (03/2026). Collection method: clinical testing. Allele origin: germline.
Comment: The c.9778C>T variant in DNAH5 is a nonsense variant predicted to introduce a stop codon at amino acid 3260. This variant is expected to result in nonsense mediated decay, truncation, or a dysfunctional protein product. This variant is rare in the general population with a frequency below the threshold expected for the associated phenotype(s). Given the available evidence, this variant is classified as Likely Pathogenic.

Fulgent Genetics
Classification: Likely pathogenic for Primary ciliary dyskinesia 3. Last evaluated: 2024-04-06. Review status: criteria provided, single submitter. Criteria: ACMG Guidelines, 2015. Collection method: clinical testing. Allele origin: germline.

Labcorp Genetics (formerly Invitae), Labcorp
Classification: Pathogenic for Primary ciliary dyskinesia. Last evaluated: 2021-01-22. Review status: criteria provided, single submitter. Criteria: Invitae Variant Classification Sherloc (09022015). Collection method: clinical testing. Allele origin: germline.
Comment: For these reasons, this variant has been classified as Pathogenic. This variant has not been reported in the literature in individuals with DNAH5-related conditions. ClinVar contains an entry for this variant (Variation ID: 943165). This variant is not present in population databases (ExAC no frequency). This sequence change creates a premature translational stop signal (p.Gln3260*) in the DNAH5 gene. It is expected to result in an absent or disrupted protein product. Loss-of-function variants in DNAH5 are known to be pathogenic (PMID: 11788826, 16627867).

Clinical Genetics DNA and cytogenetics Diagnostics Lab, Erasmus MC, Erasmus Medical Center
Classification: Pathogenic. Review status: no assertion criteria provided. Collection method: clinical testing. Allele origin: germline. Affected: yes. Study: VKGL Data-share Consensus. Not counted in ClinVar's aggregate classification.

Genome Diagnostics Laboratory, Amsterdam University Medical Center
Classification: Pathogenic. Review status: no assertion criteria provided. Collection method: clinical testing. Allele origin: germline. Affected: yes. Study: VKGL Data-share Consensus. Not counted in ClinVar's aggregate classification.

Literature cited by the submitters: PubMed 11788826 (cited by Labcorp Genetics (formerly Invitae), Labcorp); PubMed 16627867 (cited by Labcorp Genetics (formerly Invitae), Labcorp).

NM_001369.3(DNAH5):c.9778C>T (p.Gln3260Ter)

Gene: DNAH5 (dynein axonemal heavy chain 5; minus strand). Cytogenetic location: 5p15.2.
Variant type: single nucleotide variant.
Coding change: c.9778C>T on transcript NM_001369.3 (MANE Select); coding-DNA position 9778, C replaced by T.
Protein change: p.Gln3260Ter; replaces glutamine 3260 with a stop codon.
Molecular consequence: nonsense.
Genome position (GRCh38, 1-based): chr5:13,769,079, G>A on the plus strand (C>T on the coding strand, the complement: DNAH5 is on the minus strand). VCF-style: chr5-13769079-G-A. GRCh37 (hg19) VCF-style: chr5-13769188-G-A.
Other names: short protein forms Q3260*.
Identifiers: ClinVar variation 943165 (VCV000943165.14), dbSNP rs1752923333, ClinGen allele CA359202092.
Genomic context (GRCh38, chr5:13,769,079, plus strand): 5'-CAATGGCTTTGTCTTTAGAGATGCTGTCCACAATGGCCTGGGCCCTGTCCTTCACCTTCT[G>A]TACCTCAGCCTTGACCTTTTCAGCAGCCTGTGCTTTCATTGTCACTTCTTTTAAGACCTA-3'